The following is an entry in ClinVar:

ClinVar aggregate classification (germline): Uncertain significance (1 of 4 stars; one submission).

Submission:

Labcorp Genetics (formerly Invitae), Labcorp
Classification: Uncertain significance. Last evaluated: 2022-10-25. Review status: criteria provided, single submitter. Criteria: Invitae Variant Classification Sherloc (09022015). Collection method: clinical testing. Allele origin: germline.
Comment: A copy number gain of the genomic region encompassing the full coding sequence of the AGBL5 gene has been identified. The boundaries of this event are unknown as they extend beyond the assayed region for this gene and therefore may encompass additional genes. As the precise location of this event is unknown, it may be in tandem or it may be located elsewhere in the genome. This variant has not been reported in the literature in individuals affected with AGBL5-related conditions. In summary, the available evidence is currently insufficient to determine the role of this variant in disease. Therefore, it has been classified as a Variant of Uncertain Significance.

NC_000002.11:g.(?_27275827)_(27457573_?)dup

Genes: ABHD1 (abhydrolase domain containing 1; plus strand), AGBL5 (AGBL carboxypeptidase 5; plus strand), ATRAID (all-trans retinoic acid induced differentiation factor; plus strand), CAD (carbamoyl-phosphate synthetase 2, aspartate transcarbamylase, and dihydroorotase; plus strand), CGREF1 (cell growth regulator with EF-hand domain 1; minus strand) and 7 more. Cytogenetic location: 2p23.3.
Variant type: Duplication.
Identifiers: ClinVar variation 2426685 (VCV002426685.3).